The following is an entry in ClinVar:

ClinVar aggregate classification (germline): Uncertain significance (1 of 4 stars; one submission).

gnomAD v4.1: 1 of 1,611,960 alleles (0.000062%); highest among the groups gnomAD compares: Admixed American, 0.0017%; no homozygotes.

Submission:

GeneDx
Classification: Uncertain significance. Last evaluated: 2023-03-28. Review status: criteria provided, single submitter. Criteria: GeneDx Variant Classification Process June 2021. Collection method: clinical testing. Allele origin: germline. Affected: yes.
Comment: Not observed at significant frequency in large population cohorts (gnomAD); In silico analysis supports that this missense variant does not alter protein structure/function; Has not been previously published as pathogenic or benign to our knowledge

NM_134261.3(RORA):c.1087G>C (p.Val363Leu)

Genes: RORA (RAR related orphan receptor A; minus strand), RORA-AS1 (RORA antisense RNA 1; plus strand). Cytogenetic location: 15q22.2.
Variant type: single nucleotide variant.
Coding change: c.1087G>C on transcript NM_134261.3 (MANE Select); coding-DNA position 1087, G replaced by C.
Protein change: p.Val363Leu; replaces valine 363 with leucine.
Molecular consequence: missense variant.
Genome position (GRCh38, 1-based): chr15:60,502,856, C>G on the plus strand (G>C on the coding strand, the complement: RORA is on the minus strand). VCF-style: chr15-60502856-C-G. GRCh37 (hg19) VCF-style: chr15-60795055-C-G.
Other names: c.1162G>C, p.Val388Leu (NM_002943.4); c.1186G>C, p.Val396Leu (NM_134260.3); c.922G>C, p.Val308Leu (NM_134262.3); short protein forms V308L, V363L, V388L, V396L.
Identifiers: ClinVar variation 2581972 (VCV002581972.1), dbSNP rs761422133, ClinGen allele CA392668264.